The following is an entry in ClinVar:

NM_004655.4(AXIN2):c.1623C>T (p.Cys541=)

Gene: AXIN2 (axin 2; minus strand). Cytogenetic location: 17q24.1.
Variant type: single nucleotide variant.
Coding change: c.1623C>T on transcript NM_004655.4 (MANE Select); coding-DNA position 1623, C replaced by T.
Protein change: p.Cys541=; no amino-acid change (cysteine 541 retained).
Molecular consequence: synonymous variant.
Genome position (GRCh38, 1-based): chr17:65,537,413, G>A on the plus strand (C>T on the coding strand, the complement: AXIN2 is on the minus strand). VCF-style: chr17-65537413-G-A. GRCh37 (hg19) VCF-style: chr17-63533531-G-A.
Other names: c.1623C>T, p.Cys541= (NM_001363813.1); c.1623C>T (LRG_296t1).
Identifiers: ClinVar variation 239994 (VCV000239994.23), dbSNP rs199931425, ClinGen allele CA8718598.

ClinVar aggregate classification (germline): Benign/Likely benign. Review status: criteria provided, multiple submitters, no conflicts (2 of 4 stars). 8 submissions from 8 submitters: Benign (4); Likely benign (4). Last evaluated 2026-01-26.

Conditions:
AXIN2-related disorder.
Hereditary cancer-predisposing syndrome. Also called: Neoplastic Syndromes, Hereditary; Hereditary neoplastic syndrome; Hereditary Cancer Syndrome; Tumor predisposition. Identifiers: Orphanet 140162, MedGen C0027672, MeSH D009386, MONDO:0015356.
Oligodontia-cancer predisposition syndrome. Also called: TOOTH AGENESIS-COLORECTAL CANCER SYNDROME. Identifiers: Orphanet 300576, MedGen C1837750, MONDO:0012075, OMIM 608615. Disease mechanism: loss of function.

Allele frequency attached by ClinVar (database versions not stated): gnomAD exomes 0.00006 and 0.00012; gnomAD 0.00007 and 0.00008; ExAC 0.00009; TOPMed 0.00009.
gnomAD v4.1: 107 of 1,613,976 alleles (0.0066%); highest among the groups gnomAD compares: South Asian, 0.0077%; no homozygotes.

Submissions (8):

Labcorp Genetics (formerly Invitae), Labcorp
Classification: Benign for Oligodontia-cancer predisposition syndrome. Last evaluated: 2026-01-26. Review status: criteria provided, single submitter. Criteria: Invitae Variant Classification Sherloc (09022015). Collection method: clinical testing. Allele origin: germline.

PreventionGenetics, part of Exact Sciences
Classification: Likely benign for AXIN2-related condition. Last evaluated: 2025-08-19. Review status: criteria provided, single submitter. Criteria: ACMG Guidelines, 2015. Collection method: clinical testing. Allele origin: germline.
Comment: This variant is classified as likely benign based on ACMG/AMP sequence variant interpretation guidelines (Richards et al. 2015 PMID: 25741868, with internal and published modifications).

Blueprint Genetics
Classification: Likely benign. Last evaluated: 2024-10-02. Review status: criteria provided, single submitter. Criteria: ACMG Guidelines, 2015. Collection method: clinical testing. Allele origin: germline.

Myriad Genetics, Inc.
Classification: Benign for Oligodontia-cancer predisposition syndrome. Last evaluated: 2024-07-05. Review status: criteria provided, single submitter. Criteria: Myriad Autosomal Dominant, Autosomal Recessive and X-Linked Classification Criteria (2023). Collection method: clinical testing. Allele origin: unknown.
Comment: This variant is considered benign. This variant is a silent/synonymous amino acid change and it is not expected to impact splicing.

Sema4
Classification: Benign for Hereditary cancer-predisposing syndrome. Last evaluated: 2020-11-29. Review status: criteria provided, single submitter. Criteria: Sema4 Curation Guidelines. Collection method: curation. Allele origin: germline.

Ambry Genetics
Classification: Likely benign for Hereditary cancer-predisposing syndrome. Last evaluated: 2019-05-31. Review status: criteria provided, single submitter. Criteria: Ambry Variant Classification Scheme 2023. Collection method: clinical testing. Allele origin: germline.

Illumina Laboratory Services, Illumina
Classification: Likely benign for Oligodontia-cancer predisposition syndrome. Last evaluated: 2018-01-12. Review status: criteria provided, single submitter. Criteria: ICSL Variant Classification Criteria 13 December 2019. Collection method: clinical testing. Allele origin: germline.
Comment: This variant was observed in the ICSL laboratory as part of a predisposition screen in an ostensibly healthy population. It had not been previously curated by ICSL or reported in the Human Gene Mutation Database (HGMD: prior to June 1st, 2018), and was therefore a candidate for classification through an automated scoring system. Utilizing variant allele frequency, disease prevalence and penetrance estimates, and inheritance mode, an automated score was calculated to assess if this variant is too frequent to cause the disease. Based on the score and internal cut-off values, a variant classified as likely benign is not then subjected to further curation. The score for this variant resulted in a classification of likely benign for this disease.

GeneDx
Classification: Benign. Last evaluated: 2015-07-09. Review status: criteria provided, single submitter. Criteria: GeneDx Variant Classification (06012015). Collection method: clinical testing. Allele origin: germline. Affected: yes.
Comment: This variant is considered likely benign or benign based on one or more of the following criteria: it is a conservative change, it occurs at a poorly conserved position in the protein, it is predicted to be benign by multiple in silico algorithms, and/or has population frequency not consistent with disease.